The following is an entry in ClinVar:

NM_001126108.2(SLC12A3):c.2204C>G (p.Pro735Arg)

Gene: SLC12A3 (solute carrier family 12 member 3; plus strand). Cytogenetic location: 16q13.
Variant type: single nucleotide variant.
Coding change: c.2204C>G on transcript NM_001126108.2 (MANE Select); coding-DNA position 2204, C replaced by G.
Protein change: p.Pro735Arg; replaces proline 735 with arginine.
Molecular consequence: missense variant.
Genome position (GRCh38, 1-based): chr16:56,887,950, C>G. VCF-style: chr16-56887950-C-G. GRCh37 (hg19) VCF-style: chr16-56921862-C-G.
Other names: c.2204C>G, p.Pro735Arg (NM_000339.3); c.2201C>G, p.Pro734Arg (NM_001126107.2, NM_001410896.1); short protein forms P735R, P734R.
Identifiers: ClinVar variation 2736352 (VCV002736352.3), dbSNP rs757761069, ClinGen allele CA281510062.
Genomic context (GRCh38, chr16:56,887,950, plus strand): 5'-GATGGGTTCCCCATCTCACCCCTATCCCCTGGCAGGCCGCAGGTCTCGGGAGAATGAAGC[C>G]CAACATTCTGGTGGTTGGGTTCAAGAAGAACTGGCAGTCGGCTCACCCGGCCACAGTGGA-3'
Protein context (NP_001119580.2, residues 725-745): MQAAGLGRMK[Pro735Arg]NILVVGFKKN

ClinVar aggregate classification (germline): Likely pathogenic (1 of 4 stars; one submission).

Allele frequency attached by ClinVar (database versions not stated): gnomAD 0.00001.
gnomAD v4.1: 3 of 1,613,040 alleles (0.00019%); highest among the groups gnomAD compares: Non-Finnish European, 0.00025%; no homozygotes.

Submission:

Labcorp Genetics (formerly Invitae), Labcorp
Classification: Likely pathogenic. Last evaluated: 2023-05-19. Review status: criteria provided, single submitter. Criteria: Invitae Variant Classification Sherloc (09022015). Collection method: clinical testing. Allele origin: germline.
Comment: This variant is present in population databases (no rsID available, gnomAD 0.002%). This missense change has been observed in individual(s) with clinical features of Gitelman's syndrome (PMID: 22009145; Invitae). In at least one individual the data is consistent with being in trans (on the opposite chromosome) from a pathogenic variant. Advanced modeling of protein sequence and biophysical properties (such as structural, functional, and spatial information, amino acid conservation, physicochemical variation, residue mobility, and thermodynamic stability) performed at Invitae indicates that this missense variant is expected to disrupt SLC12A3 protein function. In summary, the currently available evidence indicates that the variant is pathogenic, but additional data are needed to prove that conclusively. Therefore, this variant has been classified as Likely Pathogenic. This sequence change replaces proline, which is neutral and non-polar, with arginine, which is basic and polar, at codon 735 of the SLC12A3 protein (p.Pro735Arg).

Literature cited by the submitters: PubMed 22009145.